The following is an entry in ClinVar:

NM_001004334.4(GPR179):c.1765G>A (p.Ala589Thr)

Gene: GPR179 (G protein-coupled receptor 179; minus strand). Cytogenetic location: 17q12.
Variant type: single nucleotide variant.
Coding change: c.1765G>A on transcript NM_001004334.4 (MANE Select); coding-DNA position 1765, G replaced by A.
Protein change: p.Ala589Thr; replaces alanine 589 with threonine.
Molecular consequence: missense variant.
Genome position (GRCh38, 1-based): chr17:38,334,723, C>T on the plus strand (G>A on the coding strand, the complement: GPR179 is on the minus strand). VCF-style: chr17-38334723-C-T. GRCh37 (hg19) VCF-style: chr17-36490606-C-T.
Other names: short protein forms A589T.
Identifiers: ClinVar variation 1945298 (VCV001945298.3), dbSNP rs758265415, ClinGen allele CA290108440.

ClinVar aggregate classification (germline): Uncertain significance. Review status: criteria provided, multiple submitters, no conflicts (2 of 4 stars). 2 submissions from 2 submitters: Uncertain significance (2). Last evaluated 2022-07-30.

Allele frequency attached by ClinVar (database versions not stated): TOPMed below 0.00001; gnomAD 0.00001; gnomAD exomes 0.00001; ExAC 0.00002.
gnomAD v4.1: 21 of 1,613,592 alleles (0.0013%); highest among the groups gnomAD compares: East Asian, 0.0045%; no homozygotes.

Submissions (2):

Labcorp Genetics (formerly Invitae), Labcorp
Classification: Uncertain significance. Last evaluated: 2022-07-30. Review status: criteria provided, single submitter. Criteria: Invitae Variant Classification Sherloc (09022015). Collection method: clinical testing. Allele origin: germline.
Comment: This sequence change replaces alanine, which is neutral and non-polar, with threonine, which is neutral and polar, at codon 589 of the GPR179 protein (p.Ala589Thr). This variant is present in population databases (rs758265415, gnomAD 0.01%). This variant has not been reported in the literature in individuals affected with GPR179-related conditions. Algorithms developed to predict the effect of missense changes on protein structure and function output the following: SIFT: "Tolerated"; PolyPhen-2: "Benign"; Align-GVGD: "Class C0". The threonine amino acid residue is found in multiple mammalian species, which suggests that this missense change does not adversely affect protein function. In summary, the available evidence is currently insufficient to determine the role of this variant in disease. Therefore, it has been classified as a Variant of Uncertain Significance.

Blueprint Genetics
Classification: Uncertain significance. Last evaluated: 2022-07-13. Review status: criteria provided, single submitter. Criteria: ACMG Guidelines, 2015. Collection method: clinical testing. Allele origin: germline.